The following is an entry in ClinVar:

NM_000426.4(LAMA2):c.5839G>T (p.Asp1947Tyr)

Gene: LAMA2 (laminin subunit alpha 2; plus strand). Cytogenetic location: 6q22.33.
Variant type: single nucleotide variant.
Coding change: c.5839G>T on transcript NM_000426.4 (MANE Select); coding-DNA position 5839, G replaced by T.
Protein change: p.Asp1947Tyr; replaces aspartic acid 1947 with tyrosine.
Molecular consequence: missense variant.
Genome position (GRCh38, 1-based): chr6:129,403,933, G>T. VCF-style: chr6-129403933-G-T. GRCh37 (hg19) VCF-style: chr6-129725078-G-T.
Other names: c.5839G>T, p.Asp1947Tyr (NM_001079823.2); short protein forms D1947Y.
Identifiers: ClinVar variation 1385685 (VCV001385685.8), dbSNP rs2114697848, ClinGen allele CA365617469.

ClinVar aggregate classification (germline): Uncertain significance (1 of 4 stars; one submission).

Conditions:
LAMA2-related muscular dystrophy (LAMA2-RD). Also called: Laminin alpha 2-related dystrophy. Identifiers: MedGen C5679788, MONDO:0100228.

Submission:

Labcorp Genetics (formerly Invitae), Labcorp
Classification: Uncertain significance for LAMA2-related muscular dystrophy. Last evaluated: 2022-06-20. Review status: criteria provided, single submitter. Criteria: Invitae Variant Classification Sherloc (09022015). Collection method: clinical testing. Allele origin: germline.
Comment: This variant has not been reported in the literature in individuals affected with LAMA2-related conditions. This sequence change replaces aspartic acid, which is acidic and polar, with tyrosine, which is neutral and polar, at codon 1947 of the LAMA2 protein (p.Asp1947Tyr). This variant is not present in population databases (gnomAD no frequency). Advanced modeling of protein sequence and biophysical properties (such as structural, functional, and spatial information, amino acid conservation, physicochemical variation, residue mobility, and thermodynamic stability) performed at Invitae indicates that this missense variant is not expected to disrupt LAMA2 protein function. In summary, the available evidence is currently insufficient to determine the role of this variant in disease. Therefore, it has been classified as a Variant of Uncertain Significance.